The following is an entry in ClinVar:

NM_000277.3(PAH):c.1247C>T (p.Pro416Leu)

Gene: PAH (phenylalanine hydroxylase; minus strand). Cytogenetic location: 12q23.2.
Variant type: single nucleotide variant.
Coding change: c.1247C>T on transcript NM_000277.3 (MANE Select); coding-DNA position 1247, C replaced by T.
Protein change: p.Pro416Leu; replaces proline 416 with leucine.
Molecular consequence: missense variant.
Genome position (GRCh38, 1-based): chr12:102,840,468, G>A on the plus strand (C>T on the coding strand, the complement: PAH is on the minus strand). VCF-style: chr12-102840468-G-A. GRCh37 (hg19) VCF-style: chr12-103234246-G-A.
Other names: c.1247C>T, p.Pro416Leu (NM_001354304.2); short protein forms P416L.
Identifiers: ClinVar variation 3777762 (VCV003777762.1).

ClinVar aggregate classification (germline): Pathogenic (1 of 4 stars; one submission).

Conditions:
Phenylketonuria (PKU). Also called: FOLLING DISEASE; OLIGOPHRENIA PHENYLPYRUVICA; Phenylketonurias; Phenylketonuria (PKU). Identifiers: Orphanet 716, MedGen C0031485, MONDO:0009861, OMIM 261600. Disease mechanism: loss of function.

Submission:

Rare Disease Research and Therapeutics Development Group, Institute of Molecular Genetics and Genetic Engineering, University of Belgrade
Classification: Pathogenic for Phenylketonuria. Last evaluated: 2025-03-19. Review status: criteria provided, single submitter. Criteria: ACMG Guidelines, 2015. Collection method: research. Allele origin: germline. Inheritance: Autosomal recessive inheritance. Affected: yes. Observed: 1 compound heterozygote.
Comment: This missense change replaces proline, which is neutral and non-polar, with leucine, which is neutral and non-polar, at codon 416 of the PAH protein (p.Pro416Leu). This variant has been observed in one patient with hyperphenylalaninemia who was confirmed to have another well-established pathogenic PAH variant, p.Pro281Leu (IMGGE, Belgrade, Serbia; PM3_Supporting, PP4_Supporting). The variant is absent from the population database gnomAD v4.1.0. (PM2_Supporting) and it is predicted to be deleterious by various prediction algorithms (MetaRNN score 0.995, REVEL score 0.938; PP3_Strong). The variant is located in a hot-spot region of the protein (length of 17 amino-acids has 45 missense/in-frame variants (31 pathogenic variants, 14 uncertain variants, and no benign), which qualifies as strong pathogenic; PM1_Strong), and two different missense variant at the same site, p.Pro416Gln and p.Pro416Thr, have been classified as likely pathogenic in ClinVar (Variation ID: 558091 and 987913, PM5_Strong). In summary, this variant meets criteria to be classified as pathogenic for hyperphenylalaninemia in an autosomal recessive manner based on the ACMG/AMP criteria applied: PM1_Strong, PM5_Strong, PP3_Strong, PM2_Supporting, PM3_Supporting, PP4_Supporting).

Literature cited by the submitters: PubMed 32720330.